The following is an entry in ClinVar:

ClinVar aggregate classification (germline): Uncertain significance (0 of 4 stars; one submission).

Conditions:
CREBBP-related disorder. Also called: CREBBP-related condition; CREBBP-related disorders.

Submission:

PreventionGenetics, part of Exact Sciences
Classification: Uncertain significance for CREBBP-related condition. Last evaluated: 2024-04-27. Review status: no assertion criteria provided. Collection method: clinical testing. Allele origin: germline.
Comment: The CREBBP c.33C>G variant is predicted to result in the amino acid substitution p.Asn11Lys. To our knowledge, this variant has not been reported in the literature or in a large population database, indicating this variant is rare. At this time, the clinical significance of this variant is uncertain due to the absence of conclusive functional and genetic evidence.

NM_004380.3(CREBBP):c.33C>G (p.Asn11Lys)

Gene: CREBBP (CREB binding lysine acetyltransferase; minus strand). Cytogenetic location: 16p13.3.
Variant type: single nucleotide variant.
Coding change: c.33C>G on transcript NM_004380.3 (MANE Select); coding-DNA position 33, C replaced by G.
Protein change: p.Asn11Lys; replaces asparagine 11 with lysine.
Molecular consequence: missense variant.
Genome position (GRCh38, 1-based): chr16:3,879,884, G>C on the plus strand (C>G on the coding strand, the complement: CREBBP is on the minus strand). VCF-style: chr16-3879884-G-C. GRCh37 (hg19) VCF-style: chr16-3929885-G-C.
Other names: c.33C>G, p.Asn11Lys (NM_001079846.1); short protein forms N11K.
Identifiers: ClinVar variation 3347509 (VCV003347509.1).